The following is an entry in ClinVar:

NM_031483.7(ITCH):c.2451A>C (p.Lys817Asn)

Gene: ITCH (itchy E3 ubiquitin protein ligase; plus strand). Cytogenetic location: 20q11.22.
Variant type: single nucleotide variant.
Coding change: c.2451A>C on transcript NM_031483.7 (MANE Select); coding-DNA position 2451, A replaced by C.
Protein change: p.Lys817Asn; replaces lysine 817 with asparagine.
Molecular consequence: missense variant.
Genome position (GRCh38, 1-based): chr20:34,504,365, A>C. VCF-style: chr20-34504365-A-C. GRCh37 (hg19) VCF-style: chr20-33092170-A-C.
Other names: c.2574A>C, p.Lys858Asn (NM_001257137.3, NM_001324197.2); c.2121A>C, p.Lys707Asn (NM_001257138.3); c.2451A>C, p.Lys817Asn (NM_001324198.2); short protein forms K817N, K858N, K707N.
Identifiers: ClinVar variation 2050003 (VCV002050003.1), dbSNP rs761631321, ClinGen allele CA9821974.

ClinVar aggregate classification (germline): Uncertain significance (1 of 4 stars; one submission).

Conditions:
Syndromic multisystem autoimmune disease due to ITCH deficiency. Also called: AUTOIMMUNE DISEASE, MULTISYSTEM, WITH FACIAL DYSMORPHISM. Identifiers: Orphanet 228426, MedGen C3150649, MONDO:0013245, OMIM 613385.

Allele frequency attached by ClinVar (database versions not stated): ExAC 0.00001; gnomAD 0.00001; gnomAD exomes 0.00002; TOPMed 0.00002.
gnomAD v4.1: 32 of 1,613,496 alleles (0.002%); highest among the groups gnomAD compares: Non-Finnish European, 0.0025%; no homozygotes.

Submission:

Labcorp Genetics (formerly Invitae), Labcorp
Classification: Uncertain significance for Syndromic multisystem autoimmune disease due to ITCH deficiency. Last evaluated: 2022-06-17. Review status: criteria provided, single submitter. Criteria: Invitae Variant Classification Sherloc (09022015). Collection method: clinical testing. Allele origin: germline.
Comment: This sequence change replaces lysine, which is basic and polar, with asparagine, which is neutral and polar, at codon 817 of the ITCH protein (p.Lys817Asn). This variant is present in population databases (rs761631321, gnomAD 0.004%). This variant has not been reported in the literature in individuals affected with ITCH-related conditions. Algorithms developed to predict the effect of missense changes on protein structure and function are either unavailable or do not agree on the potential impact of this missense change (SIFT: "Not Available"; PolyPhen-2: "Probably Damaging"; Align-GVGD: "Not Available"). In summary, the available evidence is currently insufficient to determine the role of this variant in disease. Therefore, it has been classified as a Variant of Uncertain Significance.